The following is an entry in ClinVar:

ClinVar aggregate classification (germline): Likely pathogenic. Review status: criteria provided, multiple submitters, no conflicts (2 of 4 stars). 2 submissions from 2 submitters: Likely pathogenic (2). Last evaluated 2024-10-16.

Conditions:
HPS5-related disorder. Also called: HPS5-related condition.

Submissions (2):

Labcorp Genetics (formerly Invitae), Labcorp
Classification: Likely pathogenic. Last evaluated: 2024-10-16. Review status: criteria provided, single submitter. Criteria: Invitae Variant Classification Sherloc (09022015). Collection method: clinical testing. Allele origin: germline.
Comment: This sequence change affects a donor splice site in intron 10 of the HPS5 gene. It is expected to disrupt RNA splicing. Variants that disrupt the donor or acceptor splice site typically lead to a loss of protein function (PMID: 16199547), and loss-of-function variants in HPS5 are known to be pathogenic (PMID: 12548288, 15296495, 21833017, 26785811). This variant is not present in population databases (gnomAD no frequency). This variant has not been reported in the literature in individuals affected with HPS5-related conditions. Algorithms developed to predict the effect of sequence changes on RNA splicing suggest that this variant may disrupt the consensus splice site. In summary, the currently available evidence indicates that the variant is pathogenic, but additional data are needed to prove that conclusively. Therefore, this variant has been classified as Likely Pathogenic.

Blueprint Genetics
Classification: Likely pathogenic for HPS5-related disorders. Last evaluated: 2020-10-08. Review status: criteria provided, single submitter. Criteria: ACMG Guidelines, 2015. Collection method: clinical testing. Allele origin: germline. Affected: yes. Observed: 1 variant allele.

Literature cited by the submitters: PubMed 16199547 (cited by Labcorp Genetics (formerly Invitae), Labcorp); PubMed 12548288 (cited by Labcorp Genetics (formerly Invitae), Labcorp); PubMed 15296495 (cited by Labcorp Genetics (formerly Invitae), Labcorp); PubMed 21833017 (cited by Labcorp Genetics (formerly Invitae), Labcorp); PubMed 26785811 (cited by Labcorp Genetics (formerly Invitae), Labcorp).

NM_181507.2(HPS5):c.1164+1G>A

Gene: HPS5 (HPS5 biogenesis of lysosomal organelles complex 2 subunit 2; minus strand). Cytogenetic location: 11p15.1.
Variant type: single nucleotide variant.
Coding change: c.1164+1G>A on transcript NM_181507.2 (MANE Select); the canonical splice donor site of the intron after coding-DNA position 1164, G replaced by A.
Molecular consequence: splice donor variant.
Genome position (GRCh38, 1-based): chr11:18,298,791, C>T on the plus strand (G>A on the coding strand, the complement: HPS5 is on the minus strand). VCF-style: chr11-18298791-C-T. GRCh37 (hg19) VCF-style: chr11-18320338-C-T.
Other names: c.1053+1G>A (NM_001440914.1, NM_001440913.1, NM_001440915.1); c.1164+1G>A (NM_001440905.1, NM_001440903.1, NM_001440916.1 and 5 more transcripts); c.1089+1G>A (NM_001440907.1, NM_001440909.1, NM_001440908.1); c.750+1G>A (NM_001440928.1, NM_001440927.1, NM_001440929.1); c.822+1G>A (NM_001440922.1, NM_001440930.1, NM_007216.4 and 7 more transcripts); c.951+1G>A (NM_001440919.1); c.978+1G>A (NM_001440918.1).
Identifiers: ClinVar variation 3697927 (VCV003697927.3).